The following is an entry in ClinVar:

NM_001292063.2(OTOG):c.7535G>A (p.Arg2512His)

Gene: OTOG (otogelin; plus strand). Cytogenetic location: 11p15.1.
Variant type: single nucleotide variant.
Coding change: c.7535G>A on transcript NM_001292063.2 (MANE Select); coding-DNA position 7535, G replaced by A.
Protein change: p.Arg2512His; replaces arginine 2512 with histidine.
Molecular consequence: missense variant.
Genome position (GRCh38, 1-based): chr11:17,634,898, G>A. VCF-style: chr11-17634898-G-A. GRCh37 (hg19) VCF-style: chr11-17656445-G-A.
Other names: c.7571G>A, p.Arg2524His (NM_001277269.2); short protein forms R2524H, R2512H.
Identifiers: ClinVar variation 226910 (VCV000226910.16), dbSNP rs114242958, ClinGen allele CA5906143.

ClinVar aggregate classification (germline): Benign. Review status: criteria provided, multiple submitters, no conflicts (2 of 4 stars). 5 submissions from 5 submitters: Benign (5). Last evaluated 2026-02-03.

Allele frequency attached by ClinVar (database versions not stated): gnomAD exomes 0.00304 and 0.00590; ExAC 0.00771; 1000 Genomes Project 0.02975; gnomAD 0.03163 and 0.03332; TOPMed 0.03368; 1000 Genomes Project 30x 0.03389.
gnomAD v4.1: 8,656 of 1,428,630 alleles (0.61%); highest among the groups gnomAD compares: African/African-American, 11%; 422 homozygotes.

Submissions (5):

Labcorp Genetics (formerly Invitae), Labcorp
Classification: Benign. Last evaluated: 2026-02-03. Review status: criteria provided, single submitter. Criteria: Invitae Variant Classification Sherloc (09022015). Collection method: clinical testing. Allele origin: germline.

Athena Diagnostics
Classification: Benign. Last evaluated: 2018-08-31. Review status: criteria provided, single submitter. Criteria: Athena Diagnostics Criteria. Collection method: clinical testing. Allele origin: germline.

GeneDx
Classification: Benign. Last evaluated: 2017-10-23. Review status: criteria provided, single submitter. Criteria: GeneDx Variant Classification (06012015). Collection method: clinical testing. Allele origin: germline. Affected: yes.
Comment: This variant is considered likely benign or benign based on one or more of the following criteria: it is a conservative change, it occurs at a poorly conserved position in the protein, it is predicted to be benign by multiple in silico algorithms, and/or has population frequency not consistent with disease.

Laboratory for Molecular Medicine, Mass General Brigham Personalized Medicine
Classification: Benign. Last evaluated: 2014-11-24. Review status: criteria provided, single submitter. Criteria: LMM Criteria. Collection method: clinical testing. Allele origin: germline. Observed: 26 variant alleles.
Comment: Arg2524His in exon 44 of OTOG: This variant is not expected to have clinical sig nificance because it has been identified in 13.6% (24/176) of Yoruba (Nigerian) chromosomes from a broad population by the 1000 Genomes Project (.; dbSNP rs114242958).

Breakthrough Genomics
Classification: Benign. Review status: criteria provided, single submitter. Criteria: ACMG Guidelines, 2015. Collection method: not provided. Allele origin: germline. Inheritance: Autosomal recessive inheritance. Affected: yes.